The following is an entry in ClinVar:

ClinVar aggregate classification (germline): Uncertain significance (1 of 4 stars; one submission).

Conditions:
Cardiovascular phenotype. Identifiers: MedGen CN230736.

Submission:

Ambry Genetics
Classification: Uncertain significance for Cardiovascular phenotype. Last evaluated: 2025-03-14. Review status: criteria provided, single submitter. Criteria: Ambry Variant Classification Scheme 2023. Collection method: clinical testing. Allele origin: germline.
Comment: The p.S227P variant (also known as c.679T>C), located in coding exon 8 of the EYA4 gene, results from a T to C substitution at nucleotide position 679. The serine at codon 227 is replaced by proline, an amino acid with similar properties. This amino acid position is conserved. In addition, the in silico prediction for this alteration is inconclusive. Based on the available evidence, the clinical significance of this variant remains unclear.

NM_004100.5(EYA4):c.679T>C (p.Ser227Pro)

Gene: EYA4 (EYA transcriptional coactivator and phosphatase 4; plus strand). Cytogenetic location: 6q23.2.
Variant type: single nucleotide variant.
Coding change: c.679T>C on transcript NM_004100.5 (MANE Select); coding-DNA position 679, T replaced by C.
Protein change: p.Ser227Pro; replaces serine 227 with proline.
Molecular consequence: missense variant.
Genome position (GRCh38, 1-based): chr6:133,462,719, T>C. VCF-style: chr6-133462719-T-C. GRCh37 (hg19) VCF-style: chr6-133783857-T-C.
Other names: c.517T>C, p.Ser173Pro (NM_001301012.2, NM_001370459.1); c.679T>C, p.Ser227Pro (NM_001301013.2, NM_172105.4); c.610T>C, p.Ser204Pro (NM_001370458.1, NM_172103.4); short protein forms S204P, S227P, S173P.
Identifiers: ClinVar variation 3846938 (VCV003846938.1).